The following is an entry in ClinVar:

ClinVar aggregate classification (germline): Benign. Review status: criteria provided, multiple submitters, no conflicts (2 of 4 stars). 5 submissions from 5 submitters: Benign (2). 3 of the submissions do not count toward it. Last evaluated 2018-08-30.

Conditions:
Myocardial infarction, susceptibility to. Identifiers: MedGen C1832662, MONDO:0012039, OMIM 608446.

Allele frequency attached by ClinVar (database versions not stated): 1000 Genomes Project 0.76577; 1000 Genomes Project 30x 0.76905; ExAC 0.83890; gnomAD exomes 0.83905 and 0.88437; gnomAD 0.86118 and 0.87048; TOPMed 0.86261; ESP Exome Variant Server 0.88541.
gnomAD v4.1: 1,422,027 of 1,612,872 alleles (88%); highest among the groups gnomAD compares: Non-Finnish European, 91%; 630,767 homozygotes.

Submissions (5):

GeneDx
Classification: Benign. Last evaluated: 2018-08-30. Review status: criteria provided, single submitter. Criteria: GeneDx Variant Classification Process June 2021. Collection method: clinical testing. Allele origin: germline. Affected: yes.
Comment: This variant is associated with the following publications: (PMID: 27624799, 15100713, 19034316)

Breakthrough Genomics
Classification: Benign. Review status: criteria provided, single submitter. Criteria: ACMG Guidelines, 2015. Collection method: not provided. Allele origin: germline. Inheritance: Unknown mechanism. Affected: yes.

Clinical Genetics DNA and cytogenetics Diagnostics Lab, Erasmus MC, Erasmus Medical Center
Classification: Benign. Review status: no assertion criteria provided. Collection method: clinical testing. Allele origin: germline. Affected: yes. Study: VKGL Data-share Consensus. Not counted in ClinVar's aggregate classification.

Clinical Genetics, Academic Medical Center
Classification: Benign. Review status: no assertion criteria provided. Collection method: clinical testing. Allele origin: germline. Affected: yes. Study: VKGL Data-share Consensus. Not counted in ClinVar's aggregate classification.

iDNA Genomics
Classification: Uncertain significance for Myocardial infarction, susceptibility to. Review status: no assertion criteria provided. Collection method: reference population. Allele origin: unknown. Not counted in ClinVar's aggregate classification.

NM_000040.3(APOC3):c.*40G>C

Gene: APOC3 (apolipoprotein C3; plus strand). Cytogenetic location: 11q23.3.
Variant type: single nucleotide variant.
Coding change: c.*40G>C on transcript NM_000040.3 (MANE Select); 40 bases downstream of the stop codon, G replaced by C.
Molecular consequence: 3 prime UTR variant.
Genome position (GRCh38, 1-based): chr11:116,832,924, G>C. VCF-style: chr11-116832924-G-C. GRCh37 (hg19) VCF-style: chr11-116703640-G-C.
Identifiers: ClinVar variation 1250845 (VCV001250845.7), dbSNP rs5128, ClinGen allele CA6289718.